The following is an entry in ClinVar:

ClinVar aggregate classification (germline): Conflicting classifications of pathogenicity. Review status: criteria provided, conflicting classifications (1 of 4 stars). 9 submissions from 9 submitters: Uncertain significance (4); Benign (1); Likely benign (4). Last evaluated 2026-02-01.

Conditions:
TSC2-related disorder. Also called: TSC2-Related Disorders; TSC2-related condition.
Hereditary cancer-predisposing syndrome. Also called: Hereditary Cancer Syndrome; Neoplastic Syndromes, Hereditary; Tumor predisposition; Hereditary neoplastic syndrome. Identifiers: Orphanet 140162, MedGen C0027672, MeSH D009386, MONDO:0015356.
Tuberous sclerosis syndrome (TSC). Also called: Tuberous sclerosis; Tuberous Sclerosis Complex. Identifiers: Orphanet 805, MedGen C0041341, MONDO:0001734.
Tuberous sclerosis 2 (TSC2). Identifiers: Orphanet 805, MedGen C1860707, MONDO:0013199, OMIM 613254.

Allele frequency attached by ClinVar (database versions not stated): gnomAD 0.00001; ExAC 0.00002; TOPMed 0.00002; gnomAD exomes 0.00003; ESP Exome Variant Server 0.00008.
gnomAD v4.1: 29 of 1,613,788 alleles (0.0018%); highest among the groups gnomAD compares: South Asian, 0.023%; no homozygotes.

Submissions (9):

Labcorp Genetics (formerly Invitae), Labcorp
Classification: Benign for Tuberous sclerosis 2. Last evaluated: 2026-02-01. Review status: criteria provided, single submitter. Criteria: Invitae Variant Classification Sherloc (09022015). Collection method: clinical testing. Allele origin: germline.

PreventionGenetics, part of Exact Sciences
Classification: Likely benign for TSC2-related condition. Last evaluated: 2025-10-24. Review status: criteria provided, single submitter. Criteria: ACMG Guidelines, 2015. Collection method: clinical testing. Allele origin: germline.
Comment: This variant is classified as likely benign based on ACMG/AMP sequence variant interpretation guidelines (Richards et al. 2015 PMID: 25741868, with internal and published modifications).

Myriad Genetics, Inc.
Classification: Likely benign for Tuberous sclerosis 2. Last evaluated: 2024-08-08. Review status: criteria provided, single submitter. Criteria: Myriad Autosomal Dominant, Autosomal Recessive and X-Linked Classification Criteria (2023). Collection method: clinical testing. Allele origin: unknown.
Comment: This variant is considered likely benign. This variant has been observed at a population frequency that is significantly greater than expected given the associated disease prevalence and penetrance.

All of Us Research Program, National Institutes of Health
Classification: Uncertain significance for Tuberous sclerosis syndrome. Last evaluated: 2023-11-20. Review status: criteria provided, single submitter. Criteria: ACMG Guidelines, 2015. Collection method: clinical testing. Allele origin: germline. Inheritance: Autosomal dominant inheritance. Observed: 1 variant allele, 1 heterozygote.
Comment: This missense variant replaces serine with leucine at codon 554 of the TSC2 protein. Computational prediction is inconclusive regarding the impact of this variant on protein structure and function (internally defined REVEL score threshold 0.5 < inconclusive < 0.7, PMID: 27666373). To our knowledge, functional studies have not been reported for this variant. This variant has not been reported in individuals affected with tuberous sclerosis complex in the literature. This variant has been identified in 7/250684 chromosomes in the general population by the Genome Aggregation Database (gnomAD). The available evidence is insufficient to determine the role of this variant in disease conclusively. Therefore, this variant is classified as a Variant of Uncertain Significance.

This study involves interpretation of variants in research participants for the purpose of population health screening. Participant phenotype was not available at the time of variant classification. Additional details can be found in publication PMID: 35346344, PMCID: PMC8962531

Color Diagnostics, LLC DBA Color Health
Classification: Uncertain significance for Tuberous sclerosis syndrome. Last evaluated: 2023-10-26. Review status: criteria provided, single submitter. Criteria: ACMG Guidelines, 2015. Collection method: clinical testing. Allele origin: germline.
Comment: This missense variant replaces serine with leucine at codon 554 of the TSC2 protein. Computational prediction is inconclusive regarding the impact of this variant on protein structure and function. To our knowledge, functional studies have not been reported for this variant. This variant has not been reported in individuals affected with tuberous sclerosis complex in the literature. This variant has been identified in 7/250684 chromosomes in the general population by the Genome Aggregation Database (gnomAD). The available evidence is insufficient to determine the role of this variant in disease conclusively. Therefore, this variant is classified as a Variant of Uncertain Significance.

Ambry Genetics
Classification: Likely benign for Hereditary cancer-predisposing syndrome. Last evaluated: 2022-04-22. Review status: criteria provided, single submitter. Criteria: Ambry Variant Classification Scheme 2023. Collection method: clinical testing. Allele origin: germline.

Genome-Nilou Lab
Classification: Likely benign for Tuberous sclerosis 2. Last evaluated: 2021-11-07. Review status: criteria provided, single submitter. Criteria: ACMG Guidelines, 2015. Collection method: clinical testing. Allele origin: germline. Affected: no.

Sema4
Classification: Uncertain significance for Hereditary cancer-predisposing syndrome. Last evaluated: 2021-07-01. Review status: criteria provided, single submitter. Criteria: Sema4 Curation Guidelines. Collection method: curation. Allele origin: germline.
Comment: To the best of our knowledge, the TSC2 c.1661C>T (p.S554L) variant has not been reported in individuals with TSC2-related disease. It was observed in 5/30616 chromosomes of the South Asian subpopulation in the large and broad cohorts of the Genome Aggregation Database (PMID: 32461654). The variant has been reported in ClinVar (Variation ID 207720). In silico tools suggest the impact of the variant on protein function is inconclusive though these predictions have not been confirmed by functional studies. There is no indication that this variant causes disease, but the evidence is insufficient currently to prove that conclusively. Thus, the clinical significance of this variant is currently uncertain.

GeneDx
Classification: Uncertain significance. Last evaluated: 2018-11-19. Review status: criteria provided, single submitter. Criteria: GeneDx Variant Classification (06012015). Collection method: clinical testing. Allele origin: germline. Affected: yes.
Comment: This variant is denoted TSC2 c.1661C>T at the cDNA level, p.Ser554Leu (S554L) at the protein level, and results in the change of a Serine to a Leucine (TCG>TTG). This variant has not, to our knowledge, been published in the literature as a pathogenic or benign germline variant. TSC2 Ser554Leu was observed at an allele frequency of 0.02% (5/30,782) in individuals of South Asian ancestry in large population cohorts (Lek 2016). This variant is not located in a known functional domain. In silico analysis, which includes protein predictors and evolutionary conservation, supports a deleterious effect. Based on currently available evidence, it is unclear whether TSC2 Ser554Leu is a pathogenic or benign variant. We consider it to be a variant of uncertain significance.

NM_000548.5(TSC2):c.1661C>T (p.Ser554Leu)

Gene: TSC2 (TSC complex subunit 2; plus strand). Cytogenetic location: 16p13.3.
Variant type: single nucleotide variant.
Coding change: c.1661C>T on transcript NM_000548.5 (MANE Select); coding-DNA position 1661, C replaced by T.
Protein change: p.Ser554Leu; replaces serine 554 with leucine.
Molecular consequence: missense variant.
Genome position (GRCh38, 1-based): chr16:2,065,580, C>T. VCF-style: chr16-2065580-C-T. GRCh37 (hg19) VCF-style: chr16-2115581-C-T.
Other names: p.S554L:TCG>TTG; c.1661C>T, p.Ser554Leu (NM_001077183.3, NM_001114382.3, NM_001363528.2 and 3 more transcripts); c.1550C>T, p.Ser517Leu (NM_001318827.2); c.1514C>T, p.Ser505Leu (NM_001318829.2); c.1061C>T, p.Ser354Leu (NM_001318831.2); c.1694C>T, p.Ser565Leu (NM_001318832.2); c.1661C>T (NM_000548.4); short protein forms S554L, S505L, S565L, S517L, S354L.
Identifiers: ClinVar variation 207720 (VCV000207720.22), dbSNP rs45471596, ClinGen allele CA032083.